The following is an entry in ClinVar:

NM_000435.3(NOTCH3):c.5353C>T (p.Arg1785Cys)

Gene: NOTCH3 (notch receptor 3; minus strand). Cytogenetic location: 19p13.12.
Variant type: single nucleotide variant.
Coding change: c.5353C>T on transcript NM_000435.3 (MANE Select); coding-DNA position 5353, C replaced by T.
Protein change: p.Arg1785Cys; replaces arginine 1785 with cysteine.
Molecular consequence: missense variant.
Genome position (GRCh38, 1-based): chr19:15,167,258, G>A on the plus strand (C>T on the coding strand, the complement: NOTCH3 is on the minus strand). VCF-style: chr19-15167258-G-A. GRCh37 (hg19) VCF-style: chr19-15278069-G-A.
Other names: short protein forms R1785C.
Identifiers: ClinVar variation 3707997 (VCV003707997.3).

ClinVar aggregate classification (germline): Uncertain significance. Review status: criteria provided, multiple submitters, no conflicts (2 of 4 stars). 2 submissions from 2 submitters: Uncertain significance (2). Last evaluated 2024-08-31.

gnomAD v4.1: 27 of 1,612,270 alleles (0.0017%); highest among the groups gnomAD compares: African/African-American, 0.0053%; no homozygotes.

Submissions (2):

Labcorp Genetics (formerly Invitae), Labcorp
Classification: Uncertain significance. Last evaluated: 2024-08-31. Review status: criteria provided, single submitter. Criteria: Invitae Variant Classification Sherloc (09022015). Collection method: clinical testing. Allele origin: germline.
Comment: This sequence change replaces arginine, which is basic and polar, with cysteine, which is neutral and slightly polar, at codon 1785 of the NOTCH3 protein (p.Arg1785Cys). The frequency data for this variant in the population databases is considered unreliable, as metrics indicate poor data quality at this position in the gnomAD database. This missense change has been observed in individual(s) with NOTCH3-related conditions (PMID: 37479695). Invitae Evidence Modeling of protein sequence and biophysical properties (such as structural, functional, and spatial information, amino acid conservation, physicochemical variation, residue mobility, and thermodynamic stability) has been performed for this missense variant. However, the output from this modeling did not meet the statistical confidence thresholds required to predict the impact of this variant on NOTCH3 protein function. In summary, the available evidence is currently insufficient to determine the role of this variant in disease. Therefore, it has been classified as a Variant of Uncertain Significance.

ARUP Laboratories, Molecular Genetics and Genomics, ARUP Laboratories
Classification: Uncertain significance. Last evaluated: 2024-06-06. Review status: criteria provided, single submitter. Criteria: ARUP Molecular Germline Variant Investigation Process 2024. Collection method: clinical testing. Allele origin: germline.
Comment: The NOTCH3 c.5353C>T; p.Arg1785Cys variant (rs771486133) is reported in the literature in an individual with ischemic stroke, although it was not demonstrated to be disease-causing (Cheng 2023). This variant is found in the general population with an overall allele frequency of 0.002% (4/251,020 alleles) in the Genome Aggregation Database (v2.1.1). Computational analyses are uncertain whether this variant is neutral or deleterious (REVEL: 0.317). Most pathogenic NOTCH3 variants occur in exons 2-24 and either create or destroy a cysteine residue within an EGF-like domain (Rutten 2014). However, there are several amino acid substitutions not involving cysteine that may be disease-associated (Muino 2017). Although the p.Arg1785Cys variant does not occur within this critical region, due to its low population frequency, its clinical significance is uncertain. References: Cheng S et al. The STROMICS genome study: deep whole-genome sequencing and analysis of 10K Chinese patients with ischemic stroke reveal complex genetic and phenotypic interplay. Cell Discov. 2023 Jul 21;9(1):75. PMID: 37479695. Muino E et al. Systematic Review of Cysteine-Sparing NOTCH3 Missense Mutations in Patients with Clinical Suspicion of CADASIL. Int J Mol Sci. 2017 Sep 13;18(9). pii: E1964. PMID: 28902129. Rutten JW et al. Interpretation of NOTCH3 mutations in the diagnosis of CADASIL. Expert Rev Mol Diagn. 2014 Jun;14(5):593-603. PMID: 24844136.

Literature cited by the submitters: PubMed 37479695 (cited by Labcorp Genetics (formerly Invitae), Labcorp).